The following is an entry in ClinVar:

NM_177438.3(DICER1):c.2179G>T (p.Asp727Tyr)

Gene: DICER1 (dicer 1, ribonuclease III; minus strand). Cytogenetic location: 14q32.13.
Variant type: single nucleotide variant.
Coding change: c.2179G>T on transcript NM_177438.3 (MANE Select); coding-DNA position 2179, G replaced by T.
Protein change: p.Asp727Tyr; replaces aspartic acid 727 with tyrosine.
Molecular consequence: missense variant. On other transcripts: non-coding transcript variant (6).
Genome position (GRCh38, 1-based): chr14:95,111,394, C>A on the plus strand (G>T on the coding strand, the complement: DICER1 is on the minus strand). VCF-style: chr14-95111394-C-A. GRCh37 (hg19) VCF-style: chr14-95577731-C-A.
Other names: c.2179G>T, p.Asp727Tyr (NM_001195573.1, NM_001271282.3, NM_001291628.2 and 12 more transcripts); c.1897G>T, p.Asp633Tyr (NM_001395686.1); c.1774G>T, p.Asp592Tyr (NM_001395687.1, NM_001395688.1, NM_001395689.1 and 3 more transcripts); c.1612G>T, p.Asp538Tyr (NM_001395691.1); c.496G>T, p.Asp166Tyr (NM_001395697.1); short protein forms D538Y, D633Y, D592Y, D166Y, D727Y.
Identifiers: ClinVar variation 4240490 (VCV004240490.1).

ClinVar aggregate classification (germline): Uncertain significance (1 of 4 stars; one submission).

Conditions:
Hereditary cancer-predisposing syndrome. Also called: Hereditary Cancer Syndrome; Hereditary neoplastic syndrome; Neoplastic Syndromes, Hereditary; Tumor predisposition. Identifiers: Orphanet 140162, MedGen C0027672, MeSH D009386, MONDO:0015356.

Submission:

Ambry Genetics
Classification: Uncertain significance for Hereditary cancer-predisposing syndrome. Last evaluated: 2025-06-22. Review status: criteria provided, single submitter. Criteria: Ambry Variant Classification Scheme 2023. Collection method: clinical testing. Allele origin: germline.
Comment: The p.D727Y variant (also known as c.2179G>T), located in coding exon 13 of the DICER1 gene, results from a G to T substitution at nucleotide position 2179. The aspartic acid at codon 727 is replaced by tyrosine, an amino acid with highly dissimilar properties. This amino acid position is conserved. In addition, this alteration is predicted to be deleterious by in silico analysis. Based on the available evidence, the clinical significance of this variant remains unclear.